The following is an entry in ClinVar:

ClinVar aggregate classification (germline): Uncertain significance (1 of 4 stars; one submission).

Allele frequency attached by ClinVar (database versions not stated): gnomAD exomes below 0.00001; gnomAD 0.00002; TOPMed 0.00002.
gnomAD v4.1: 9 of 1,614,054 alleles (0.00056%); highest among the groups gnomAD compares: Non-Finnish European, 0.00076%; no homozygotes.

Submission:

Labcorp Genetics (formerly Invitae), Labcorp
Classification: Uncertain significance. Last evaluated: 2022-04-16. Review status: criteria provided, single submitter. Criteria: Invitae Variant Classification Sherloc (09022015). Collection method: clinical testing. Allele origin: germline.
Comment: Experimental studies and prediction algorithms are not available or were not evaluated, and the functional significance of this variant is currently unknown. In summary, the available evidence is currently insufficient to determine the role of this variant in disease. Therefore, it has been classified as a Variant of Uncertain Significance. This variant has not been reported in the literature in individuals affected with ARMC9-related conditions. This variant is present in population databases (no rsID available, gnomAD 0.007%). This sequence change replaces leucine, which is neutral and non-polar, with proline, which is neutral and non-polar, at codon 504 of the ARMC9 protein (p.Leu504Pro).

NM_001352754.2(ARMC9):c.1511T>C (p.Leu504Pro)

Gene: ARMC9 (armadillo repeat containing 9; plus strand). Cytogenetic location: 2q37.1.
Variant type: single nucleotide variant.
Coding change: c.1511T>C on transcript NM_001352754.2 (MANE Select); coding-DNA position 1511, T replaced by C.
Protein change: p.Leu504Pro; replaces leucine 504 with proline.
Molecular consequence: missense variant. On other transcripts: non-coding transcript variant (1).
Genome position (GRCh38, 1-based): chr2:231,278,418, T>C. VCF-style: chr2-231278418-T-C. GRCh37 (hg19) VCF-style: chr2-232143131-T-C.
Other names: c.1511T>C, p.Leu504Pro (NM_001271466.4, NM_001291656.2, NM_001352755.2 and 3 more transcripts); c.1412T>C, p.Leu471Pro (NM_001352757.2, NM_001352758.2); short protein forms L471P, L504P.
Identifiers: ClinVar variation 1954510 (VCV001954510.4), dbSNP rs1014371892, ClinGen allele CA66825669.
Genomic context (GRCh38, chr2:231,278,418, plus strand): 5'-TTAGCTTTGATTTGTTTCCCATAGGGAAGAACATGTGTGCCAAGGTGGCAGGCCTCGTGC[T>C]CAAAGTCCTTTCGGATCTTCTTGGCCATGAAAACCATGAGGTACTCATTCAGCACTGCTG-3'
Protein context (NP_001339683.2, residues 494-514): NMCAKVAGLV[Leu504Pro]KVLSDLLGHE